The following is an entry in ClinVar:

NM_000059.4(BRCA2):c.2266C>T (p.Gln756Ter)

Gene: BRCA2 (BRCA2 DNA repair associated; plus strand). Cytogenetic location: 13q13.1.
Variant type: single nucleotide variant.
Coding change: c.2266C>T on transcript NM_000059.4 (MANE Select); coding-DNA position 2266, C replaced by T.
Protein change: p.Gln756Ter; replaces glutamine 756 with a stop codon.
Molecular consequence: nonsense.
Genome position (GRCh38, 1-based): chr13:32,336,621, C>T. VCF-style: chr13-32336621-C-T. GRCh37 (hg19) VCF-style: chr13-32910758-C-T.
Other names: short protein forms Q756*.
Identifiers: ClinVar variation 373824 (VCV000373824.56), dbSNP rs1057518637, ClinGen allele CA16043337.

ClinVar aggregate classification (germline): Pathogenic. Review status: reviewed by expert panel (3 of 4 stars). 5 submissions from 5 submitters: Pathogenic (1). 4 of the submissions do not count toward it. Last evaluated 2017-12-15.

Conditions:
Breast neoplasm. Also called: Neoplasm of breast; Breast tumor; Neoplasm of the breast; Breast Neoplasms. Identifiers: MedGen C1458155, MeSH D001943, MONDO:0021100, HP:0100013. Disease mechanism: gain of function.
Hereditary cancer-predisposing syndrome. Also called: Tumor predisposition; Hereditary Cancer Syndrome; Hereditary neoplastic syndrome; Neoplastic Syndromes, Hereditary. Identifiers: Orphanet 140162, MedGen C0027672, MeSH D009386, MONDO:0015356.
Hereditary breast ovarian cancer syndrome. Also called: Hereditary breast and ovarian cancer; Hereditary breast and/or ovarian cancer syndrome; Hereditary breast and ovarian cancer syndrome (HBOC); Breast and ovarian cancer; BRCA1- and BRCA2-Associated Hereditary Breast and Ovarian Cancer; Hereditary breast and ovarian cancer syndrome. Identifiers: Orphanet 145, MedGen C0677776, MeSH D061325, MONDO:0003582. Disease mechanism: loss of function.
Breast-ovarian cancer, familial, susceptibility to, 2 (BROVCA2). Also called: BRCA2 Hereditary Breast and Ovarian Cancer. Identifiers: Orphanet 145, MedGen C2675520, MONDO:0012933, OMIM 612555. Disease mechanism: loss of function.
Malignant tumor of urinary bladder. Also called: Urinary bladder cancer; Urinary Bladder Neoplasms; Bladder cancer. Identifiers: MedGen C0005684, MONDO:0001187, OMIM 109800.

Submissions (5):

Evidence-based Network for the Interpretation of Germline Mutant Alleles (ENIGMA)
Classification: Pathogenic for Breast-ovarian cancer, familial, susceptibility to, 2. Last evaluated: 2017-12-15. Review status: reviewed by expert panel. Criteria: ENIGMA BRCA1/2 Classification Criteria (2017-06-29). Collection method: curation. Allele origin: germline. Study: ENIGMA.
Comment: Variant allele predicted to encode a truncated non-functional protein.

Ambry Genetics
Classification: Pathogenic for Hereditary cancer-predisposing syndrome. Last evaluated: 2025-11-03. Review status: criteria provided, single submitter. Criteria: Ambry Variant Classification Scheme 2023. Collection method: clinical testing. Allele origin: germline. Not counted in ClinVar's aggregate classification.
Comment: The p.Q756* pathogenic mutation (also known as c.2266C>T), located in coding exon 10 of the BRCA2 gene, results from a C to T substitution at nucleotide position 2266. This changes the amino acid from a glutamine to a stop codon within coding exon 10. This variant is considered to be rare based on population cohorts in the Genome Aggregation Database (gnomAD). This alteration is expected to result in loss of function by premature protein truncation or nonsense-mediated mRNA decay. As such, this alteration is interpreted as a disease-causing mutation.

Labcorp Genetics (formerly Invitae), Labcorp
Classification: Pathogenic for Hereditary breast ovarian cancer syndrome. Last evaluated: 2024-04-22. Review status: criteria provided, single submitter. Criteria: Invitae Variant Classification Sherloc (09022015). Collection method: clinical testing. Allele origin: germline. Not counted in ClinVar's aggregate classification.
Comment: This sequence change creates a premature translational stop signal (p.Gln756*) in the BRCA2 gene. It is expected to result in an absent or disrupted protein product. Loss-of-function variants in BRCA2 are known to be pathogenic (PMID: 20104584). This variant is not present in population databases (gnomAD no frequency). This premature translational stop signal has been observed in individual(s) with breast cancer (PMID: 23469205, 29161300, 29907814). ClinVar contains an entry for this variant (Variation ID: 373824). For these reasons, this variant has been classified as Pathogenic.

Clinical and Functional Genomics Group, A.C.Camargo Cancer Center
Classification: Pathogenic for Breast Cancer. Review status: criteria provided, single submitter. Criteria: Carraro et al. (PLoS One. 2013). Collection method: research. Allele origin: germline. Affected: yes. Not counted in ClinVar's aggregate classification.

Laboratory of Urology, Hospital Clinic de Barcelona
Classification: Pathogenic for Malignant tumor of urinary bladder. Review status: no assertion criteria provided. Collection method: research. Allele origin: somatic. Affected: yes. Not counted in ClinVar's aggregate classification.

Literature cited by the submitters: PubMed 23469205 (cited by Ambry Genetics and Labcorp Genetics (formerly Invitae), Labcorp); PubMed 20104584 (cited by Labcorp Genetics (formerly Invitae), Labcorp); PubMed 29161300 (cited by Labcorp Genetics (formerly Invitae), Labcorp); PubMed 29907814 (cited by Labcorp Genetics (formerly Invitae), Labcorp); PubMed 24884479 (cited by Clinical and Functional Genomics Group, A.C.Camargo Cancer Center).